The following is an entry in ClinVar:

NM_001127898.4(CLCN5):c.298C>T (p.Arg100Trp)

Gene: CLCN5 (Cl-/H+ antiporter 5; plus strand). Cytogenetic location: Xp11.23.
Variant type: single nucleotide variant.
Coding change: c.298C>T on transcript NM_001127898.4 (MANE Select); coding-DNA position 298, C replaced by T.
Protein change: p.Arg100Trp; replaces arginine 100 with tryptophan.
Molecular consequence: missense variant.
Genome position (GRCh38, 1-based): chrX:50,070,013, C>T. VCF-style: chrX-50070013-C-T. GRCh37 (hg19) VCF-style: chrX-49834668-C-T.
Other names: c.88C>T, p.Arg30Trp (NM_000084.5); c.298C>T, p.Arg100Trp (NM_001127899.4); c.148C>T, p.Arg50Trp (NM_001282163.2); short protein forms R100W, R30W, R50W.
Identifiers: ClinVar variation 2152346 (VCV002152346.5), dbSNP rs200225080, ClinGen allele CA10413701.
Genomic context (GRCh38, chrX:50,070,013, plus strand): 5'-GGTGTAGGGACCTATGATGATTTCAATACAATTGATTGGGTGAGAGAGAAGTCTCGAGAC[C>T]GGGATAGGCACCGAGAGGTAAGACAAAAGATGGCACATGGGTAAGTGTTAGGAAATACAG-3'
Protein context (NP_001121370.1, residues 90-110): IDWVREKSRD[Arg100Trp]DRHREITNKS

ClinVar aggregate classification (germline): Uncertain significance. Review status: criteria provided, multiple submitters, no conflicts (2 of 4 stars). 2 submissions from 2 submitters: Uncertain significance (2). Last evaluated 2025-10-02.

Conditions:
Proteinuria, low molecular weight, with hypercalciuria and nephrocalcinosis. Identifiers: Orphanet 1652, Orphanet 93622, MedGen C1839874, MONDO:0010644, OMIM 308990.
X-linked recessive nephrolithiasis with renal failure (XRN). Also called: NEPHROLITHIASIS 1; NEPHROLITHIASIS, X-LINKED RECESSIVE, TYPE 1; UROLITHIASIS, X-LINKED RECESSIVE, TYPE 1. Identifiers: Orphanet 1652, Orphanet 93622, MedGen C0403720, MONDO:0010687, OMIM 310468.
Dent disease type 1 (DENT1). Also called: NEPHROLITHIASIS 2; NEPHROLITHIASIS, HYPERCALCIURIC, X-LINKED. Identifiers: Orphanet 1652, Orphanet 93622, MedGen C1848336, MONDO:0010225, OMIM 300009.
Hypophosphatemic rickets, X-linked recessive (XLHRR). Identifiers: Orphanet 1652, Orphanet 93622, MedGen C1845168, MONDO:0010358, OMIM 300554.

Allele frequency attached by ClinVar (database versions not stated): gnomAD exomes 0.00002; gnomAD 0.00005; ExAC 0.00006.
gnomAD v4.1: 27 of 1,206,081 alleles (0.0022%); highest among the groups gnomAD compares: Middle Eastern, 0.023%; no homozygotes.

Submissions (2):

Labcorp Genetics (formerly Invitae), Labcorp
Classification: Uncertain significance. Last evaluated: 2025-10-02. Review status: criteria provided, single submitter. Criteria: Invitae Variant Classification Sherloc (09022015). Collection method: clinical testing. Allele origin: germline.
Comment: This sequence change replaces arginine, which is basic and polar, with tryptophan, which is neutral and slightly polar, at codon 30 of the CLCN5 protein (p.Arg30Trp). This variant is present in population databases (rs200225080, gnomAD 0.02%). This missense change has been observed in individual(s) with hypophosphatemic rickets (PMID: 29758562). This variant is also known as c.298C>T, p.Arg100Trp. ClinVar contains an entry for this variant (Variation ID: 2152346). An algorithm developed to predict the effect of missense changes on protein structure and function (PolyPhen-2) suggests that this variant is likely to be disruptive. In summary, the available evidence is currently insufficient to determine the role of this variant in disease. Therefore, it has been classified as a Variant of Uncertain Significance.

Fulgent Genetics
Classification: Uncertain significance for Dent disease type 1; Hypophosphatemic rickets, X-linked recessive; Proteinuria, low molecular weight, with hypercalciuria and nephrocalcinosis; X-linked recessive nephrolithiasis with renal failure. Last evaluated: 2024-03-01. Review status: criteria provided, single submitter. Criteria: ACMG Guidelines, 2015. Collection method: clinical testing. Allele origin: germline.

Literature cited by the submitters: PubMed 29758562 (cited by Labcorp Genetics (formerly Invitae), Labcorp).